The following is an entry in ClinVar:

ClinVar aggregate classification (germline): Pathogenic (1 of 4 stars; one submission).

Conditions:
Asphyxiating thoracic dystrophy 3. Also called: Saldino-Noonan Syndrome; SHORT-RIB THORACIC DYSPLASIA 3 WITH OR WITHOUT POLYDACTYLY; POLYDACTYLY WITH NEONATAL CHONDRODYSTROPHY, TYPE I; SHORT-RIB THORACIC DYSPLASIA 3/6 WITH POLYDACTYLY, DIGENIC; Short rib polydactyly syndrome 2B. Identifiers: Orphanet 474, Orphanet 93269, Orphanet 93270, Orphanet 93271, MedGen C0036069, MONDO:0013127, OMIM 613091.

Submission:

Myriad Genetics, Inc.
Classification: Pathogenic for Asphyxiating thoracic dystrophy 3. Last evaluated: 2024-06-03. Review status: criteria provided, single submitter. Criteria: Myriad Autosomal Dominant, Autosomal Recessive and X-Linked Classification Criteria (2023). Collection method: clinical testing. Allele origin: unknown.
Comment: NM_001377.2(DYNC2H1):c.7106G>A(W2369*) is expected to be pathogenic in the context of DYNC2H1-related disorders. This variant is predicted to lead to an abnormal or absent protein product due to the creation of a premature termination codon in DYNC2H1, a gene where loss-of-function variants are known to be pathogenic. Please note: this variant was assessed in the context of healthy population screening.

NM_001377.3(DYNC2H1):c.7106G>A (p.Trp2369Ter)

Gene: DYNC2H1 (dynein cytoplasmic 2 heavy chain 1; plus strand). Cytogenetic location: 11q22.3.
Variant type: single nucleotide variant.
Coding change: c.7106G>A on transcript NM_001377.3 (MANE Select); coding-DNA position 7106, G replaced by A.
Protein change: p.Trp2369Ter; replaces tryptophan 2369 with a stop codon.
Molecular consequence: nonsense.
Genome position (GRCh38, 1-based): chr11:103,187,552, G>A. VCF-style: chr11-103187552-G-A. GRCh37 (hg19) VCF-style: chr11-103058281-G-A.
Other names: c.7106G>A, p.Trp2369Ter (NM_001080463.2); short protein forms W2369*.
Identifiers: ClinVar variation 5013138 (VCV005013138.1).